The following is an entry in ClinVar:

ClinVar aggregate classification (germline): Pathogenic. Review status: reviewed by expert panel (3 of 4 stars). 7 submissions from 7 submitters: Pathogenic (1). 6 of the submissions do not count toward it. Last evaluated 2017-12-15.

Conditions:
Hereditary cancer-predisposing syndrome. Also called: Tumor predisposition; Neoplastic Syndromes, Hereditary; Hereditary Cancer Syndrome; Hereditary neoplastic syndrome. Identifiers: Orphanet 140162, MedGen C0027672, MeSH D009386, MONDO:0015356.
Hereditary breast ovarian cancer syndrome. Also called: Hereditary breast and ovarian cancer syndrome (HBOC); Hereditary breast and ovarian cancer syndrome; Hereditary breast and ovarian cancer; Hereditary breast and/or ovarian cancer syndrome; Breast and ovarian cancer; BRCA1- and BRCA2-Associated Hereditary Breast and Ovarian Cancer. Identifiers: Orphanet 145, MedGen C0677776, MeSH D061325, MONDO:0003582. Disease mechanism: loss of function.
Breast-ovarian cancer, familial, susceptibility to, 2 (BROVCA2). Also called: BRCA2 Hereditary Breast and Ovarian Cancer. Identifiers: Orphanet 145, MedGen C2675520, MONDO:0012933, OMIM 612555. Disease mechanism: loss of function.
Breast-ovarian cancer, familial, susceptibility to, 1 (BROVCA1). Also called: OVARIAN CANCER, SUSCEPTIBILITY TO; BRCA1 Hereditary Breast and Ovarian Cancer. Identifiers: Orphanet 145, MedGen C2676676, MONDO:0011450, OMIM 604370. Disease mechanism: loss of function.
Familial cancer of breast. Also called: Hereditary breast cancer; hereditary breast carcinoma; BREAST CANCER, FAMILIAL. Identifiers: Orphanet 227535, MedGen C0346153, MONDO:0016419, OMIM 114480. Disease mechanism: loss of function.

Submissions (7):

Evidence-based Network for the Interpretation of Germline Mutant Alleles (ENIGMA)
Classification: Pathogenic for Breast-ovarian cancer, familial, susceptibility to, 2. Last evaluated: 2017-12-15. Review status: reviewed by expert panel. Criteria: ENIGMA BRCA1/2 Classification Criteria (2017-06-29). Collection method: curation. Allele origin: germline. Study: ENIGMA.
Comment: Variant allele predicted to encode a truncated non-functional protein.

GeneKor MSA
Classification: Pathogenic for Hereditary breast ovarian cancer syndrome. Last evaluated: 2025-05-15. Review status: criteria provided, single submitter. Criteria: ACMG Guidelines, 2015. Collection method: clinical testing. Allele origin: germline. Not counted in ClinVar's aggregate classification.
Comment: This variant, located in coding exon 11 of the BRCA2 gene, is a single base substitution at nucleotide position 5291, c.(5291C>G), replacing Serine with a premature termination stop signal at codon 1764, p.(Ser1764*). This is expected to result in an absent or disrupted protein product. Truncating variants in BRCA2 are known to be pathogenic (PMID:20104584). This variant is not present in population databases (rs397507778). In international literature it has been reported in Slovenian individuals affected with breast and/or ovarian cancer (PMID:21232165). ClinVar contains entries for this variant where is listed as pathogenic (VCV000051837.19). Based on the classification criteria set by the ACMG and AMP (PMID:25741868) this variant has been classified as pathogenic.

Labcorp Genetics (formerly Invitae), Labcorp
Classification: Pathogenic for Hereditary breast ovarian cancer syndrome. Last evaluated: 2024-09-27. Review status: criteria provided, single submitter. Criteria: Invitae Variant Classification Sherloc (09022015). Collection method: clinical testing. Allele origin: germline. Not counted in ClinVar's aggregate classification.
Comment: This sequence change creates a premature translational stop signal (p.Ser1764*) in the BRCA2 gene. It is expected to result in an absent or disrupted protein product. Loss-of-function variants in BRCA2 are known to be pathogenic (PMID: 20104584). This variant is not present in population databases (gnomAD no frequency). This premature translational stop signal has been observed in individual(s) with breast cancer (PMID: 21232165). ClinVar contains an entry for this variant (Variation ID: 51837). For these reasons, this variant has been classified as Pathogenic.

Ambry Genetics
Classification: Pathogenic for Hereditary cancer-predisposing syndrome. Last evaluated: 2023-08-28. Review status: criteria provided, single submitter. Criteria: Ambry Variant Classification Scheme 2023. Collection method: clinical testing. Allele origin: germline. Not counted in ClinVar's aggregate classification.
Comment: The p.S1764* pathogenic mutation (also known as c.5291C>G), located in coding exon 10 of the BRCA2 gene, results from a C to G substitution at nucleotide position 5291. This changes the amino acid from a serine to a stop codon within coding exon 10. This mutation has been reported in four Slovenian families with a history of breast cancer (Stegel V et al. BMC Med. Genet., 2011 Jan;12:9). In addition to the clinical data presented in the literature, this alteration is expected to result in loss of function by premature protein truncation or nonsense-mediated mRNA decay. As such, this alteration is interpreted as a disease-causing mutation.

Department of Molecular Diagnostics, Institute of Oncology Ljubljana
Classification: Pathogenic for Breast-ovarian cancer, familial, susceptibility to, 1. Last evaluated: 2020-04-02. Review status: criteria provided, single submitter. Criteria: ACMG Guidelines, 2015. Collection method: clinical testing. Allele origin: germline. Affected: yes. Not counted in ClinVar's aggregate classification.

Centre for Mendelian Genomics, University Medical Centre Ljubljana
Classification: Pathogenic for Breast-ovarian cancer, familial, susceptibility to, 2. Last evaluated: 2016-01-01. Review status: criteria provided, single submitter. Criteria: ACMG Guidelines, 2015. Collection method: clinical testing. Allele origin: unknown. Affected: yes. Not counted in ClinVar's aggregate classification.
Comment: This variant was classified as: Pathogenic. The following ACMG criteria were applied in classifying this variant: PVS1,PS1,PM2.

ClinVar Staff, National Center for Biotechnology Information (NCBI)
No classification provided. Condition: Familial cancer of breast. Review status: no classification provided. Collection method: literature only. Allele origin: germline. Affected: yes. Not counted in ClinVar's aggregate classification.

Literature cited by the submitters: PubMed 20104584 (cited by GeneKor MSA and Labcorp Genetics (formerly Invitae), Labcorp); PubMed 21232165 (cited by 4 submitters).

NM_000059.4(BRCA2):c.5291C>G (p.Ser1764Ter)

Gene: BRCA2 (BRCA2 DNA repair associated; plus strand). Cytogenetic location: 13q13.1.
Variant type: single nucleotide variant.
Coding change: c.5291C>G on transcript NM_000059.4 (MANE Select); coding-DNA position 5291, C replaced by G.
Protein change: p.Ser1764Ter; replaces serine 1764 with a stop codon.
Molecular consequence: nonsense.
Genome position (GRCh38, 1-based): chr13:32,339,646, C>G. VCF-style: chr13-32339646-C-G. GRCh37 (hg19) VCF-style: chr13-32913783-C-G.
Other names: short protein forms S1764*.
Identifiers: ClinVar variation 51837 (VCV000051837.21), dbSNP rs397507778, ClinGen allele CA021968.